The following is an entry in ClinVar:

NM_001004334.4(GPR179):c.1835_1836insTTTTTTTTTTTTTTTTTTTTNNNNNNNNNNTGACCTCGTGATCCGCCCGCCTCGGCCTCCCAAAGTGCTGGGATTACAGGCGTGAGCCACCGCGCCCGGCCCCTCCTCCTCTTCTT (p.Phe613_His614insPhePhePhePhePheXaaXaaXaaXaaAspLeuValIleArgProProArgProProLysValLeuGlyLeuGlnAlaTerPhe)

Gene: GPR179 (G protein-coupled receptor 179; minus strand). Cytogenetic location: 17q12.
Variant type: Microsatellite.
Coding change: c.1835_1836insTTTTTTTTTTTTTTTTTTTTNNNNNNNNNNTGACCTCGTGATCCGCCCGCCTCGGCCTCCCAAAGTGCTGGGATTACAGGCGTGAGCCACCGCGCCCGGCCCCTCCTCCTCTTCTT on transcript NM_001004334.4 (MANE Select); coding-DNA positions 1835 to 1836, TTTTTTTTTTTTTTTTTTTTNNNNNNNNNNTGACCTCGTGATCCGCCCGCCTCGGCCTCCCAAAGTGCTGGGATTACAGGCGTGAGCCACCGCGCCCGGCCCCTCCTCCTCTTCTT inserted.
Protein change: p.Phe613_His614insPhePhePhePhePheXaaXaaXaaXaaAspLeuValIleArgProProArgProProLysValLeuGlyLeuGlnAlaTerPhe.
Molecular consequence: nonsense, inframe insertion.
Genome position: GRCh38: chr17:38,333,988-38,334,003. GRCh37 (hg19), VCF-style position (the base before the change): chr17:36,489,870.
Identifiers: ClinVar variation 2827026 (VCV002827026.3).

ClinVar aggregate classification (germline): Pathogenic (1 of 4 stars; one submission).

Submission:

Labcorp Genetics (formerly Invitae), Labcorp
Classification: Pathogenic. Last evaluated: 2023-01-08. Review status: criteria provided, single submitter. Criteria: Invitae Variant Classification Sherloc (09022015). Collection method: clinical testing. Allele origin: germline.
Comment: This sequence change inserts a large fragment of DNA, likely a transposable element, in exon 9 of the GPR179 gene (c.1835_1836ins?), causing a frameshift at codon 612 (p.Phe612fs). The exact size and sequence of the insertion cannot be determined by the current assay. However, the insertion is expected to result in an absent or disrupted protein product. For these reasons, this variant has been classified as Pathogenic. Retrotransposon insertions including LINE1 (L1), Alu, and SVA (SINE-VNTR-Alu) have been reported to be disease-causing through disruption of either a coding region or splice site (PMID: 19763152, 20307669, 22406018) and loss-of-function variants in GPR179 are known to be pathogenic (PMID: 22325361, 22325362). Algorithms developed to predict the effect of sequence changes on RNA splicing suggest that this variant may create or strengthen a splice site. This variant has not been reported in the literature in individuals affected with GPR179-related conditions. This variant is not present in population databases (gnomAD no frequency).

Literature cited by the submitters: PubMed 19763152; PubMed 20307669; PubMed 22406018; PubMed 22325361; PubMed 22325362.